The following is an entry in ClinVar:

NM_001024845.3(SLC6A9):c.31-684G>T

Gene: SLC6A9 (solute carrier family 6 member 9; minus strand). Cytogenetic location: 1p34.1.
Variant type: single nucleotide variant.
Coding change: c.31-684G>T on transcript NM_001024845.3 (MANE Select); 684 bases into the intron before coding-DNA position 31, G replaced by T.
Molecular consequence: intron variant. On other transcripts: missense variant (1).
Genome position (GRCh38, 1-based): chr1:44,011,566, C>A on the plus strand (G>T on the coding strand, the complement: SLC6A9 is on the minus strand). VCF-style: chr1-44011566-C-A. GRCh37 (hg19) VCF-style: chr1-44477238-C-A.
Other names: c.244G>T, p.Ala82Ser (NM_201649.4); c.-14-2943G>T (NM_001328630.2, NM_001328626.2); c.31-684G>T (NM_001328629.1); c.125-2943G>T (NM_001328628.1); c.125-1470G>T (NM_001328627.1); c.88-684G>T (NM_001261380.2, NM_006934.4); short protein forms A82S.
Identifiers: ClinVar variation 1479990 (VCV001479990.6), dbSNP rs1571886606, ClinGen allele CA340074115.

ClinVar aggregate classification (germline): Uncertain significance (1 of 4 stars; one submission).

Conditions:
Atypical glycine encephalopathy. Also called: Glycine encephalopathy with normal serum glycine. Identifiers: Orphanet 289863, MedGen C4310943, MONDO:0015010, OMIM 617301.

Allele frequency attached by ClinVar (database versions not stated): gnomAD 0.00001; TOPMed 0.00002.
gnomAD v4.1: 1 of 1,613,508 alleles (0.000062%); highest among the groups gnomAD compares: African/African-American, 0.0013%; no homozygotes.

Submission:

Labcorp Genetics (formerly Invitae), Labcorp
Classification: Uncertain significance for Atypical glycine encephalopathy. Last evaluated: 2021-12-02. Review status: criteria provided, single submitter. Criteria: Invitae Variant Classification Sherloc (09022015). Collection method: clinical testing. Allele origin: germline.
Comment: This variant is not present in population databases (gnomAD no frequency). This sequence change replaces alanine, which is neutral and non-polar, with serine, which is neutral and polar, at codon 82 of the SLC6A9 protein (p.Ala82Ser). This variant has not been reported in the literature in individuals affected with SLC6A9-related conditions. Algorithms developed to predict the effect of missense changes on protein structure and function (SIFT, PolyPhen-2, Align-GVGD) all suggest that this variant is likely to be tolerated. In summary, the available evidence is currently insufficient to determine the role of this variant in disease. Therefore, it has been classified as a Variant of Uncertain Significance.